The following is an entry in ClinVar:

ClinVar aggregate classification (germline): Uncertain significance (1 of 4 stars; one submission).

Conditions:
Dilated cardiomyopathy 1G (CMD1G). Identifiers: Orphanet 154, MedGen C1858763, MONDO:0011400, OMIM 604145.
Autosomal recessive limb-girdle muscular dystrophy type 2J (LGMDR10). Also called: Limb-girdle muscular dystrophy, type 2J; MUSCULAR DYSTROPHY, LIMB-GIRDLE, AUTOSOMAL RECESSIVE 10. Identifiers: Orphanet 140922, MedGen C1837342, MONDO:0012127, OMIM 608807.

Allele frequency attached by ClinVar (database versions not stated): ESP Exome Variant Server 0.00008.
gnomAD v4.1: 1 of 1,613,968 alleles (0.000062%); highest among the groups gnomAD compares: African/African-American, 0.0013%; no homozygotes.

Submission:

Labcorp Genetics (formerly Invitae), Labcorp
Classification: Uncertain significance for Dilated cardiomyopathy 1G; Autosomal recessive limb-girdle muscular dystrophy type 2J. Last evaluated: 2024-08-27. Review status: criteria provided, single submitter. Criteria: Invitae Variant Classification Sherloc (09022015). Collection method: clinical testing. Allele origin: germline.
Comment: This sequence change replaces leucine, which is neutral and non-polar, with proline, which is neutral and non-polar, at codon 34655 of the TTN protein (p.Leu34655Pro). This variant is present in population databases (rs371022665, gnomAD 0.006%). This variant has not been reported in the literature in individuals affected with TTN-related conditions. ClinVar contains an entry for this variant (Variation ID: 2155074). Experimental studies and prediction algorithms are not available or were not evaluated, and the functional significance of this variant is currently unknown. This variant is located in the M band of TTN (PMID: 25589632). Non-truncating variants in this region may be relevant for neuromuscular disorders, but have not been definitively shown to cause cardiomyopathy (PMID: 23975875). In summary, the available evidence is currently insufficient to determine the role of this variant in disease. Therefore, it has been classified as a Variant of Uncertain Significance.

Literature cited by the submitters: PubMed 25589632; PubMed 23975875.

NM_001267550.2(TTN):c.103964T>C (p.Leu34655Pro)

Genes: TTN (titin; minus strand), TTN-AS1 (TTN antisense RNA 1; plus strand). Cytogenetic location: 2q31.2.
Variant type: single nucleotide variant.
Coding change: c.103964T>C on transcript NM_001267550.2 (MANE Select); coding-DNA position 103964, T replaced by C.
Protein change: p.Leu34655Pro; replaces leucine 34655 with proline.
Molecular consequence: missense variant.
Genome position (GRCh38, 1-based): chr2:178,532,651, A>G on the plus strand (T>C on the coding strand, the complement: TTN is on the minus strand). VCF-style: chr2-178532651-A-G. GRCh37 (hg19) VCF-style: chr2-179397378-A-G.
Other names: c.99041T>C, p.Leu33014Pro (NM_001256850.1); c.76769T>C, p.Leu25590Pro (NM_003319.4); c.96260T>C, p.Leu32087Pro (NM_133378.4); c.77144T>C, p.Leu25715Pro (NM_133432.3); c.77345T>C, p.Leu25782Pro (NM_133437.4); short protein forms L25782P, L33014P, L25715P, L32087P, L25590P, L34655P.
Identifiers: ClinVar variation 2155074 (VCV002155074.4), dbSNP rs371022665, ClinGen allele CA60956571.